The following is an entry in ClinVar:

ClinVar aggregate classification (germline): Conflicting classifications of pathogenicity. Review status: criteria provided, conflicting classifications (1 of 4 stars). 4 submissions from 4 submitters: Uncertain significance (3); Likely benign (1). Last evaluated 2024-11-13.

Conditions:
Cardiovascular phenotype. Identifiers: MedGen CN230736.
Dilated cardiomyopathy 1DD (CMD1DD). Identifiers: Orphanet 154, MedGen C2750995, MONDO:0013168, OMIM 613172.

Allele frequency attached by ClinVar (database versions not stated): TOPMed 0.00001.
gnomAD v4.1: 15 of 1,522,324 alleles (0.00099%); highest among the groups gnomAD compares: Non-Finnish European, 0.0012%; no homozygotes.

Submissions (4):

Ambry Genetics
Classification: Uncertain significance for Cardiovascular phenotype. Last evaluated: 2024-11-13. Review status: criteria provided, single submitter. Criteria: Ambry Variant Classification Scheme 2023. Collection method: clinical testing. Allele origin: germline.
Comment: The p.D12V variant (also known as c.35A>T), located in coding exon 1 of the RBM20 gene, results from an A to T substitution at nucleotide position 35. The aspartic acid at codon 12 is replaced by valine, an amino acid with highly dissimilar properties. This amino acid position is conserved. In addition, the in silico prediction for this alteration is inconclusive. Based on the available evidence, the clinical significance of this variant remains unclear.

Blueprint Genetics
Classification: Likely benign. Last evaluated: 2024-01-30. Review status: criteria provided, single submitter. Criteria: ACMG Guidelines, 2015. Collection method: clinical testing. Allele origin: germline.

Labcorp Genetics (formerly Invitae), Labcorp
Classification: Uncertain significance for Dilated cardiomyopathy 1DD. Last evaluated: 2023-09-15. Review status: criteria provided, single submitter. Criteria: Invitae Variant Classification Sherloc (09022015). Collection method: clinical testing. Allele origin: germline.
Comment: This variant has not been reported in the literature in individuals affected with RBM20-related conditions. In summary, the available evidence is currently insufficient to determine the role of this variant in disease. Therefore, it has been classified as a Variant of Uncertain Significance. Advanced modeling of protein sequence and biophysical properties (such as structural, functional, and spatial information, amino acid conservation, physicochemical variation, residue mobility, and thermodynamic stability) performed at Invitae indicates that this missense variant is not expected to disrupt RBM20 protein function. ClinVar contains an entry for this variant (Variation ID: 1390248). This variant is not present in population databases (gnomAD no frequency). This sequence change replaces aspartic acid, which is acidic and polar, with valine, which is neutral and non-polar, at codon 12 of the RBM20 protein (p.Asp12Val).

Fulgent Genetics
Classification: Uncertain significance for Dilated cardiomyopathy 1DD. Last evaluated: 2021-11-10. Review status: criteria provided, single submitter. Criteria: ACMG Guidelines, 2015. Collection method: clinical testing. Allele origin: unknown.

NM_001134363.3(RBM20):c.35A>T (p.Asp12Val)

Gene: RBM20 (RNA binding motif protein 20; plus strand). Cytogenetic location: 10q25.2.
Variant type: single nucleotide variant.
Coding change: c.35A>T on transcript NM_001134363.3 (MANE Select); coding-DNA position 35, A replaced by T.
Protein change: p.Asp12Val; replaces aspartic acid 12 with valine.
Molecular consequence: missense variant.
Genome position (GRCh38, 1-based): chr10:110,644,489, A>T. VCF-style: chr10-110644489-A-T. GRCh37 (hg19) VCF-style: chr10-112404247-A-T.
Other names: c.35A>T (NM_001134363.1); short protein forms D12V.
Identifiers: ClinVar variation 1390248 (VCV001390248.10), dbSNP rs887276458, ClinGen allele CA213903186.